The following is an entry in ClinVar:

NM_001377.3(DYNC2H1):c.10383G>C (p.Leu3461Phe)

Gene: DYNC2H1 (dynein cytoplasmic 2 heavy chain 1; plus strand). Cytogenetic location: 11q22.3.
Variant type: single nucleotide variant.
Coding change: c.10383G>C on transcript NM_001377.3 (MANE Select); coding-DNA position 10383, G replaced by C.
Protein change: p.Leu3461Phe; replaces leucine 3461 with phenylalanine.
Molecular consequence: missense variant.
Genome position (GRCh38, 1-based): chr11:103,256,162, G>C. VCF-style: chr11-103256162-G-C. GRCh37 (hg19) VCF-style: chr11-103126891-G-C.
Other names: c.10404G>C, p.Leu3468Phe (NM_001080463.2); short protein forms L3461F, L3468F.
Identifiers: ClinVar variation 4823479 (VCV004823479.4).
Genomic context (GRCh38, chr11:103,256,162, plus strand): 5'-ACAGACACTTGCCACATCTCAAGGCAATATTTTGGAAAATAAGGATTTGATTGAGTCTTT[G>C]AATCAGACAAAAGCAAGCAGTGCACTTATTCAAGAGTCACTTAAAGAATCTTACAAACTC-3'
Protein context (NP_001368.2, residues 3451-3471): ILENKDLIES[Leu3461Phe]NQTKASSALI

ClinVar aggregate classification (germline): Uncertain significance (1 of 4 stars; one submission).

gnomAD v4.1: 1 of 1,608,800 alleles (0.000062%); highest among the groups gnomAD compares: Non-Finnish European, 0.000085%; no homozygotes.

Submission:

CeGaT Center for Human Genetics Tuebingen
Classification: Uncertain significance. Last evaluated: 2026-02-01. Review status: criteria provided, single submitter. Criteria: CeGaT Center For Human Genetics Tuebingen Variant Classification Criteria Version 2. Collection method: clinical testing. Allele origin: germline. Affected: yes. Observed: 1 variant allele.
Comment: DYNC2H1: PM2